The following is an entry in ClinVar:

ClinVar aggregate classification (germline): Uncertain significance (1 of 4 stars; one submission).

Allele frequency attached by ClinVar (database versions not stated): TOPMed 0.00001.

Submission:

Labcorp Genetics (formerly Invitae), Labcorp
Classification: Uncertain significance. Last evaluated: 2020-11-24. Review status: criteria provided, single submitter. Criteria: Invitae Variant Classification Sherloc (09022015). Collection method: clinical testing. Allele origin: germline.
Comment: In summary, the available evidence is currently insufficient to determine the role of this variant in disease. Therefore, it has been classified as a Variant of Uncertain Significance. Algorithms developed to predict the effect of sequence changes on RNA splicing suggest that this variant may create or strengthen a splice site, but this prediction has not been confirmed by published transcriptional studies. Algorithms developed to predict the effect of missense changes on protein structure and function are either unavailable or do not agree on the potential impact of this missense change (SIFT: "Deleterious"; PolyPhen-2: "Probably Damaging"; Align-GVGD: "Class C0"). This variant has not been reported in the literature in individuals with MSH3-related conditions. This variant is not present in population databases (ExAC no frequency). This sequence change replaces glutamic acid with valine at codon 456 of the MSH3 protein (p.Glu456Val). The glutamic acid residue is moderately conserved and there is a moderate physicochemical difference between glutamic acid and valine.

NM_002439.5(MSH3):c.1367A>T (p.Glu456Val)

Gene: MSH3 (mutS homolog 3; plus strand). Cytogenetic location: 5q14.1.
Variant type: single nucleotide variant.
Coding change: c.1367A>T on transcript NM_002439.5 (MANE Select); coding-DNA position 1367, A replaced by T.
Protein change: p.Glu456Val; replaces glutamic acid 456 with valine.
Molecular consequence: missense variant.
Genome position (GRCh38, 1-based): chr5:80,725,479, A>T. VCF-style: chr5-80725479-A-T. GRCh37 (hg19) VCF-style: chr5-80021298-A-T.
Other names: short protein forms E456V.
Identifiers: ClinVar variation 1425577 (VCV001425577.8), dbSNP rs1273771754, ClinGen allele CA360273398.